The following is an entry in ClinVar:

ClinVar aggregate classification (germline): Uncertain significance (1 of 4 stars; one submission).

Submission:

GeneDx
Classification: Uncertain significance. Last evaluated: 2026-02-04. Review status: criteria provided, single submitter. Criteria: GeneDx Variant Classification Process June 2021. Collection method: clinical testing. Allele origin: germline.
Comment: Not observed at significant frequency in large population cohorts (gnomAD); In silico analysis suggests that this missense variant does not alter protein structure/function; Has not been previously published as pathogenic or benign to our knowledge.

NM_001009944.3(PKD1):c.7674G>C (p.Gln2558His)

Gene: PKD1 (polycystin 1, transient receptor potential channel interacting; minus strand). Cytogenetic location: 16p13.3.
Variant type: single nucleotide variant.
Coding change: c.7674G>C on transcript NM_001009944.3 (MANE Select); coding-DNA position 7674, G replaced by C.
Protein change: p.Gln2558His; replaces glutamine 2558 with histidine.
Molecular consequence: missense variant.
Genome position (GRCh38, 1-based): chr16:2,106,120, C>G on the plus strand (G>C on the coding strand, the complement: PKD1 is on the minus strand). VCF-style: chr16-2106120-C-G. GRCh37 (hg19) VCF-style: chr16-2156121-C-G.
Other names: c.7674G>C, p.Gln2558His (NM_000296.4); short protein forms Q2558H.
Identifiers: ClinVar variation 4975595 (VCV004975595.1).